The following is an entry in ClinVar:

ClinVar aggregate classification (germline): Uncertain significance (1 of 4 stars; one submission).

Submission:

GeneDx
Classification: Uncertain significance. Last evaluated: 2026-03-30. Review status: criteria provided, single submitter. Criteria: GeneDx Variant Classification Process June 2021. Collection method: clinical testing. Allele origin: germline.
Comment: Not observed at significant frequency in large population cohorts (gnomAD); In silico analysis suggests that this missense variant does not alter protein structure/function; Has not been previously published as pathogenic or benign to our knowledge

NM_004593.3(TRA2B):c.133C>A (p.Arg45Ser)

Gene: TRA2B (transformer 2 beta homolog; minus strand). Cytogenetic location: 3q27.2.
Variant type: single nucleotide variant.
Coding change: c.133C>A on transcript NM_004593.3 (MANE Select); coding-DNA position 133, C replaced by A.
Protein change: p.Arg45Ser; replaces arginine 45 with serine.
Molecular consequence: missense variant. On other transcripts: intron variant (1).
Genome position (GRCh38, 1-based): chr3:185,926,638, G>T on the plus strand (C>A on the coding strand, the complement: TRA2B is on the minus strand). VCF-style: chr3-185926638-G-T. GRCh37 (hg19) VCF-style: chr3-185644426-G-T.
Other names: c.-130-1012C>A (NM_001243879.2); short protein forms R45S.
Identifiers: ClinVar variation 5017568 (VCV005017568.1).